The following is an entry in ClinVar:

NM_152490.5(B3GALNT2):c.310G>A (p.Glu104Lys)

Gene: B3GALNT2 (beta-1,3-N-acetylgalactosaminyltransferase 2; minus strand). Cytogenetic location: 1q42.3.
Variant type: single nucleotide variant.
Coding change: c.310G>A on transcript NM_152490.5 (MANE Select); coding-DNA position 310, G replaced by A.
Protein change: p.Glu104Lys; replaces glutamic acid 104 with lysine.
Molecular consequence: missense variant.
Genome position (GRCh38, 1-based): chr1:235,489,219, C>T on the plus strand (G>A on the coding strand, the complement: B3GALNT2 is on the minus strand). VCF-style: chr1-235489219-C-T. GRCh37 (hg19) VCF-style: chr1-235652524-C-T.
Other names: c.433G>A, p.Glu145Lys (NM_001277155.3); short protein forms E104K, E145K.
Identifiers: ClinVar variation 2079700 (VCV002079700.1), dbSNP rs1398848730, ClinGen allele CA344928484.

ClinVar aggregate classification (germline): Uncertain significance (1 of 4 stars; one submission).

Conditions:
Muscular dystrophy-dystroglycanopathy (congenital with brain and eye anomalies), type a, 11 (MDDGA11). Also called: Congenital muscular dystrophy-dystroglycanopathy with brain and eye anomalies, type A11; Muscular dystrophy-dystroglycanopathy (congenital with brain and eye anomalies, type A, 11; WALKER-WARBURG SYNDROME OR MUSCLE-EYE-BRAIN DISEASE, B3GALNT2-RELATED. Identifiers: Orphanet 588, Orphanet 899, MedGen C3554638, MONDO:0014071, OMIM 615181.

Allele frequency attached by ClinVar (database versions not stated): gnomAD exomes below 0.00001; TOPMed below 0.00001; gnomAD 0.00001.
gnomAD v4.1: 2 of 1,613,900 alleles (0.00012%); highest among the groups gnomAD compares: Non-Finnish European, 0.00017%; no homozygotes.

Submission:

Labcorp Genetics (formerly Invitae), Labcorp
Classification: Uncertain significance for Muscular dystrophy-dystroglycanopathy (congenital with brain and eye anomalies), type a, 11. Last evaluated: 2022-05-29. Review status: criteria provided, single submitter. Criteria: Invitae Variant Classification Sherloc (09022015). Collection method: clinical testing. Allele origin: germline.
Comment: This sequence change replaces glutamic acid, which is acidic and polar, with lysine, which is basic and polar, at codon 104 of the B3GALNT2 protein (p.Glu104Lys). This variant is not present in population databases (gnomAD no frequency). This variant has not been reported in the literature in individuals affected with B3GALNT2-related conditions. Algorithms developed to predict the effect of missense changes on protein structure and function (SIFT, PolyPhen-2, Align-GVGD) all suggest that this variant is likely to be tolerated. In summary, the available evidence is currently insufficient to determine the role of this variant in disease. Therefore, it has been classified as a Variant of Uncertain Significance.